The following is an entry in ClinVar:

NM_014639.4(SKIC3):c.2282T>C (p.Leu761Pro)

Gene: SKIC3 (SKI3 subunit of superkiller complex; minus strand). Cytogenetic location: 5q15.
Variant type: single nucleotide variant.
Coding change: c.2282T>C on transcript NM_014639.4 (MANE Select); coding-DNA position 2282, T replaced by C.
Protein change: p.Leu761Pro; replaces leucine 761 with proline.
Molecular consequence: missense variant.
Genome position (GRCh38, 1-based): chr5:95,517,155, A>G on the plus strand (T>C on the coding strand, the complement: SKIC3 is on the minus strand). VCF-style: chr5-95517155-A-G. GRCh37 (hg19) VCF-style: chr5-94852859-A-G.
Other names: short protein forms L761P.
Identifiers: ClinVar variation 955742 (VCV000955742.9), dbSNP rs1167272463, ClinGen allele CA360460058.

ClinVar aggregate classification (germline): Uncertain significance (1 of 4 stars; one submission).

Submission:

Labcorp Genetics (formerly Invitae), Labcorp
Classification: Uncertain significance. Last evaluated: 2020-03-05. Review status: criteria provided, single submitter. Criteria: Invitae Variant Classification Sherloc (09022015). Collection method: clinical testing. Allele origin: germline.
Comment: In summary, the available evidence is currently insufficient to determine the role of this variant in disease. Therefore, it has been classified as a Variant of Uncertain Significance. Algorithms developed to predict the effect of missense changes on protein structure and function are either unavailable or do not agree on the potential impact of this missense change (SIFT: "Deleterious"; PolyPhen-2: "Possibly Damaging"; Align-GVGD: "Class C0"). This variant has been observed in individual(s) with clinical features of trichohepatoenteric syndrome (PMID: 25335910, Invitae). It has also been observed to segregate with disease in related individuals. This variant is not present in population databases (ExAC no frequency). This sequence change replaces leucine with proline at codon 761 of the TTC37 protein (p.Leu761Pro). The leucine residue is highly conserved and there is a moderate physicochemical difference between leucine and proline.

Literature cited by the submitters: PubMed 25335910.